The following is an entry in ClinVar:

ClinVar aggregate classification (germline): Pathogenic (1 of 4 stars; one submission).

Conditions:
Mosaic variegated aneuploidy syndrome 1 (MVA1). Also called: Warburton-Anyane-Yeboa syndrome. Identifiers: Orphanet 1052, MedGen C1850343, MONDO:0009759, OMIM 257300.

Submission:

Labcorp Genetics (formerly Invitae), Labcorp
Classification: Pathogenic for Mosaic variegated aneuploidy syndrome 1. Last evaluated: 2024-03-06. Review status: criteria provided, single submitter. Criteria: Invitae Variant Classification Sherloc (09022015). Collection method: clinical testing. Allele origin: germline.
Comment: This sequence change creates a premature translational stop signal (p.Ser435Valfs*19) in the BUB1B gene. It is expected to result in an absent or disrupted protein product. Loss-of-function variants in BUB1B are known to be pathogenic (PMID: 15475955, 21190457). This variant is not present in population databases (gnomAD no frequency). This variant has not been reported in the literature in individuals affected with BUB1B-related conditions. For these reasons, this variant has been classified as Pathogenic.

Literature cited by the submitters: PubMed 15475955; PubMed 21190457.

NM_001211.6(BUB1B):c.1302del (p.Ser435fs)

Gene: BUB1B (BUB1 mitotic checkpoint serine/threonine kinase B; plus strand). Cytogenetic location: 15q15.1.
Variant type: Deletion.
Coding change: c.1302del on transcript NM_001211.6 (MANE Select); coding-DNA position 1302, one base deleted (C; older notation c.1302delC).
Protein change: p.Ser435fs; shifts the reading frame from serine 435.
Molecular consequence: frameshift variant.
Genome position (GRCh38, 1-based): chr15:40,199,628, C deleted; the last of 2 consecutive C bases (chr15:40,199,627-40,199,628); deleting either gives the same sequence. VCF-style (leftmost placement, unchanged base first): chr15-40199626-AC-A. GRCh37 (hg19) VCF-style: chr15-40491827-AC-A.
Other names: short protein forms S435fs.
Identifiers: ClinVar variation 3018326 (VCV003018326.3), dbSNP rs2542554755, ClinGen allele CA2627772383.